The following is an entry in ClinVar:

NM_000088.4(COL1A1):c.994G>A (p.Gly332Arg)

Gene: COL1A1 (collagen type I alpha 1 chain; minus strand). Cytogenetic location: 17q21.33.
Variant type: single nucleotide variant.
Coding change: c.994G>A on transcript NM_000088.4 (MANE Select); coding-DNA position 994, G replaced by A.
Protein change: p.Gly332Arg; replaces glycine 332 with arginine.
Molecular consequence: missense variant.
Genome position (GRCh38, 1-based): chr17:50,196,163, C>T on the plus strand (G>A on the coding strand, the complement: COL1A1 is on the minus strand). VCF-style: chr17-50196163-C-T. GRCh37 (hg19) VCF-style: chr17-48273524-C-T.
Other names: G154R; c.994G>A (LRG_1t1); short protein forms G332R.
Identifiers: ClinVar variation 17312 (VCV000017312.22), dbSNP rs72645357, ClinGen allele CA257866.

ClinVar aggregate classification (germline): Pathogenic. Review status: criteria provided, multiple submitters, no conflicts (2 of 4 stars). 9 submissions from 9 submitters: Pathogenic (7). 2 of the submissions do not count toward it. Last evaluated 2026-03-30.

Conditions:
Osteogenesis imperfecta type I (OI1). Also called: Lobstein disease; Lobstein's Disease; OI, TYPE I; OSTEOGENESIS IMPERFECTA TARDA; OSTEOGENESIS IMPERFECTA WITH BLUE SCLERAE; Osteogenesis imperfecta type 1. Identifiers: Orphanet 216796, Orphanet 666, MedGen C0023931, MONDO:0008146, OMIM 166200. Disease mechanism: loss of function.
Ehlers-Danlos syndrome, arthrochalasia type. Also called: Ehlers-Danlos syndrome, arthrochalasis type; Ehlers-Danlos syndrome, arthrochalasia type, 1; ARTHROCHALASIS MULTIPLEX CONGENITA; EDS VII, MUTANT PROCOLLAGEN TYPE; EDS VIIA. Identifiers: Orphanet 1899, Orphanet 99875, Orphanet 99876, MedGen C4551623, MONDO:0007525, OMIM 130060.
Osteogenesis imperfecta, perinatal lethal (OI2). Also called: OI, TYPE II; OSTEOGENESIS IMPERFECTA, TYPE II; OSTEOGENESIS IMPERFECTA CONGENITA; VROLIK TYPE OF OSTEOGENESIS IMPERFECTA; Osteogenesis imperfecta, dominant perinatal lethal; Osteogenesis imperfecta type 2. Identifiers: Orphanet 216804, MedGen C0268358, MONDO:0008147, OMIM 166210.
Osteogenesis imperfecta type III (OI3). Also called: Osteogenesis imperfecta type 3; OI type 3; Osteogenesis imperfecta, progressively deforming with normal sclerae; OI type III; Progressively Deforming Osteogenesis Imperfecta. Identifiers: Orphanet 216812, Orphanet 666, MedGen C0268362, MONDO:0009804, OMIM 259420.
Infantile cortical hyperostosis. Also called: Caffey Disease; P1PK BLOOD GROUP SYSTEM, P(2) PHENOTYPE; Hyperostosis, Cortical, Congenital. Identifiers: Orphanet 1310, MedGen C0020497, MONDO:0007244, OMIM 114000.
Postmenopausal osteoporosis. Also called: OSTEOPOROSIS, INVOLUTIONAL; BONE MINERAL DENSITY QUANTITATIVE TRAIT LOCUS. Identifiers: MedGen C0029458, MONDO:0008159.
Osteogenesis imperfecta with normal sclerae, dominant form (OI4). Also called: OSTEOGENESIS IMPERFECTA, TYPE IV, WITH DENTINOGENESIS IMPERFECTA; Osteogenesis Imperfecta Type IV; OSTEOGENESIS IMPERFECTA WITH NORMAL SCLERAE; Osteogenesis imperfecta type 4; Common Variable Osteogenesis Imperfecta with Normal Sclerae. Identifiers: Orphanet 216820, Orphanet 666, MedGen C0268363, MONDO:0008148, OMIM 166220.
COL1A1-related disorder. Also called: COL1A1-related condition; COL1A1- related disease.
Osteogenesis imperfecta (OI). Identifiers: Orphanet 666, MedGen C0029434, MeSH D010013, MONDO:0019019.

Submissions (9):

PreventionGenetics, part of Exact Sciences
Classification: Pathogenic for COL1A1-related condition. Last evaluated: 2026-03-30. Review status: criteria provided, single submitter. Criteria: ACMG Guidelines, 2015. Collection method: clinical testing. Allele origin: germline.
Comment: The COL1A1 c.994G>A variant is predicted to result in the amino acid substitution p.Gly332Arg. The p.Gly332Arg variant has been reported in multiple individuals with osteogenesis imperfecta (see examples: reported as de novo in Table S1, Lindahl et al 2015. PubMed ID: 26177859; reported as de novo in Table 1, Zhang et al 2021. PubMed ID: 33942288; Senturk et al. 2024. PubMed ID: 38346409). The p.Gly332Arg amino acid is located in the conserved Gly-Xaa-Yaa triple helical domain where substitutions of a glycine are usually pathogenic (Marini et al. 2007. PubMed ID: 17078022). This variant has not been reported in a large population database, indicating this variant is rare. This variant is interpreted as pathogenic.

Clinical Biomedical Laboratory, Shriners Hospital For Children - Canada
Classification: Pathogenic for Osteogenesis imperfecta type III. Last evaluated: 2025-07-16. Review status: criteria provided, single submitter. Criteria: ACMG Guidelines, 2015. Collection method: clinical testing. Allele origin: germline. Affected: yes.
Comment: This variant is predicted to substitute a glycine residue by an arginine residue in the triple helical domain of the collagen type I alpha1 chain. Glycine substitutions in the triple helical domain of collagen type I cause disruption in the formation of the triple helix in the collagen molecule and are a typical cause of osteogenesis imperfecta. The variant is absent from the Genome Aggregation Database v2.1.1, indicating it is very rare. Prediction tools (REVEL: 0.99) suggest that the amino acid change is possibly damaging to protein function. This variant has been reported in the literature (PMID: 27509835).

GeneDx
Classification: Pathogenic. Last evaluated: 2025-02-14. Review status: criteria provided, single submitter. Criteria: GeneDx Variant Classification Process June 2021. Collection method: clinical testing. Allele origin: germline. Affected: yes.
Comment: Also known as p.(G154R) using alternative nomenclature; Not observed at significant frequency in large population cohorts (gnomAD); In silico analysis supports that this missense variant has a deleterious effect on protein structure/function; Occurs in the triple helical domain and replaces a glycine in a canonical Gly-X-Y repeat; missense substitution of a canonical glycine residue is expected to disrupt normal protein folding and function, and this is an established mechanism of disease (PMID: 34007986); This variant is associated with the following publications: (PMID: 35855989, 36398383, 37270749, 11359465, 8799376, 16882741, 8669434, 25086671, 7695699, 8218237, 26177859, 12362986, 22589248, 17078022, 33942288, 2037280, 29669177, 34007986)

Labcorp Genetics (formerly Invitae), Labcorp
Classification: Pathogenic for Osteogenesis imperfecta type I. Last evaluated: 2023-05-05. Review status: criteria provided, single submitter. Criteria: Invitae Variant Classification Sherloc (09022015). Collection method: clinical testing. Allele origin: germline.
Comment: For these reasons, this variant has been classified as Pathogenic. This variant disrupts the triple helix domain of COL1A1. Glycine residues within the Gly-Xaa-Yaa repeats of the triple helix domain are required for the structure and stability of fibrillar collagens (PMID: 7695699, 8218237, 19344236). In COL1A1, variants affecting these glycine residues are significantly enriched in individuals with disease (PMID: 9016532, 17078022) compared to the general population (ExAC). Advanced modeling of protein sequence and biophysical properties (such as structural, functional, and spatial information, amino acid conservation, physicochemical variation, residue mobility, and thermodynamic stability) performed at Invitae indicates that this missense variant is expected to disrupt COL1A1 protein function. ClinVar contains an entry for this variant (Variation ID: 17312). This variant is also known as Gly154Arg. This missense change has been observed in individual(s) with osteogenesis imperfecta (PMID: 2037280, 8669434, 17078022, 22589248, 25086671, 26177859). In at least one individual the variant was observed to be de novo. It has also been observed to segregate with disease in related individuals. This variant is not present in population databases (gnomAD no frequency). This sequence change replaces glycine, which is neutral and non-polar, with arginine, which is basic and polar, at codon 332 of the COL1A1 protein (p.Gly332Arg).

3billion
Classification: Pathogenic for Osteogenesis imperfecta with normal sclerae, dominant form. Last evaluated: 2022-09-01. Review status: criteria provided, single submitter. Criteria: ACMG Guidelines, 2015. Collection method: clinical testing. Allele origin: germline. Affected: yes. Observed: 1 heterozygote.
Comment: The variant is not observed in the gnomAD v2.1.1 dataset. It is located in a mutational hot spot and/or well-established functional domain in which established pathogenic variants have been reported (PMID: 19344236). Missense changes are a common disease-causing mechanism. In silico tool predictions suggest damaging effect of the variant on gene or gene product (REVEL: 0.99; 3Cnet: 0.97). Same nucleotide change resulting in same amino acid change has been previously reported as pathogenic/likely pathogenic with strong evidence (ClinVar ID: VCV000017312). The variant has been observed in multiple (>3) similarly affected unrelated individuals (PMID: 17078022, 2037280, 22589248, 8669434). Therefore, this variant is classified as Pathogenic according to the recommendation of ACMG/AMP guideline.

Fulgent Genetics
Classification: Pathogenic for Infantile cortical hyperostosis; Ehlers-Danlos syndrome, arthrochalasia type; Osteogenesis imperfecta type I; Osteogenesis imperfecta, perinatal lethal; Osteogenesis imperfecta with normal sclerae, dominant form; Osteoporosis; Osteogenesis imperfecta type III. Last evaluated: 2018-10-31. Review status: criteria provided, single submitter. Criteria: ACMG Guidelines, 2015. Collection method: clinical testing. Allele origin: unknown.

Women's Health and Genetics/Laboratory Corporation of America, LabCorp
Classification: Pathogenic for Osteogenesis Imperfecta. Last evaluated: 2011-08-18. Review status: criteria provided, single submitter. Criteria: LabCorp Variant Classification Summary - May 2015. Collection method: curation, clinical testing. Allele origin: germline. Inheritance: autosomal dominant. Affected: yes. Observed: 6 variant alleles.
ClinVar note: Converted during submission from pathogenic to Pathogenic.

OMIM
Classification: Pathogenic for OSTEOGENESIS IMPERFECTA, TYPE III. Last evaluated: 1996-01-11. Review status: no assertion criteria provided. Collection method: literature only. Allele origin: germline. Not counted in ClinVar's aggregate classification.

Department of Medical Sciences, Uppsala University
Classification: Pathogenic for OI type IV. Review status: no assertion criteria provided. Collection method: clinical testing. Allele origin: unknown. Affected: yes. Observed: 1 variant allele. Not counted in ClinVar's aggregate classification.

Literature cited by the submitters: PubMed 27509835 (cited by Clinical Biomedical Laboratory, Shriners Hospital For Children - Canada); PubMed 7695699 (cited by Labcorp Genetics (formerly Invitae), Labcorp); PubMed 8218237 (cited by Labcorp Genetics (formerly Invitae), Labcorp); PubMed 19344236 (cited by Labcorp Genetics (formerly Invitae), Labcorp and 3billion); PubMed 9016532 (cited by Labcorp Genetics (formerly Invitae), Labcorp); PubMed 17078022 (cited by 3 submitters); PubMed 2037280 (cited by 4 submitters); PubMed 8669434 (cited by 4 submitters); PubMed 22589248 (cited by Labcorp Genetics (formerly Invitae), Labcorp and 3billion); PubMed 25086671 (cited by Labcorp Genetics (formerly Invitae), Labcorp); PubMed 26177859 (cited by Labcorp Genetics (formerly Invitae), Labcorp); PubMed 25944380 (cited by Department of Medical Sciences, Uppsala University).